The following is an entry in ClinVar:

ClinVar aggregate classification (germline): Uncertain significance. Review status: criteria provided, multiple submitters, no conflicts (2 of 4 stars). 2 submissions from 2 submitters: Uncertain significance (2). Last evaluated 2023-05-28.

Conditions:
Hereditary cancer-predisposing syndrome. Also called: Neoplastic Syndromes, Hereditary; Hereditary Cancer Syndrome; Hereditary neoplastic syndrome; Tumor predisposition. Identifiers: Orphanet 140162, MedGen C0027672, MeSH D009386, MONDO:0015356.
Birt-Hogg-Dube syndrome. Also called: Birt Hogg Dubé syndrome. Identifiers: Orphanet 122, MedGen C0346010, MONDO:0800444.

Submissions (2):

Ambry Genetics
Classification: Uncertain significance for Hereditary cancer-predisposing syndrome. Last evaluated: 2023-05-28. Review status: criteria provided, single submitter. Criteria: Ambry Variant Classification Scheme 2023. Collection method: clinical testing. Allele origin: germline.
Comment: The p.K342E variant (also known as c.1024A>G), located in coding exon 6 of the FLCN gene, results from an A to G substitution at nucleotide position 1024. The lysine at codon 342 is replaced by glutamic acid, an amino acid with similar properties. This amino acid position is conserved. In addition, the in silico prediction for this alteration is inconclusive. Since supporting evidence is limited at this time, the clinical significance of this alteration remains unclear.

Labcorp Genetics (formerly Invitae), Labcorp
Classification: Uncertain significance for Birt-Hogg-Dube syndrome. Last evaluated: 2022-03-08. Review status: criteria provided, single submitter. Criteria: Invitae Variant Classification Sherloc (09022015). Collection method: clinical testing. Allele origin: germline.
Comment: This sequence change replaces lysine, which is basic and polar, with glutamic acid, which is acidic and polar, at codon 342 of the FLCN protein (p.Lys342Glu). This variant is not present in population databases (gnomAD no frequency). This variant has not been reported in the literature in individuals affected with FLCN-related conditions. ClinVar contains an entry for this variant (Variation ID: 848374). Algorithms developed to predict the effect of missense changes on protein structure and function (SIFT, PolyPhen-2, Align-GVGD) all suggest that this variant is likely to be tolerated. In summary, the available evidence is currently insufficient to determine the role of this variant in disease. Therefore, it has been classified as a Variant of Uncertain Significance.

NM_144997.7(FLCN):c.1024A>G (p.Lys342Glu)

Gene: FLCN (folliculin; minus strand). Cytogenetic location: 17p11.2.
Variant type: single nucleotide variant.
Coding change: c.1024A>G on transcript NM_144997.7 (MANE Select); coding-DNA position 1024, A replaced by G.
Protein change: p.Lys342Glu; replaces lysine 342 with glutamic acid.
Molecular consequence: missense variant.
Genome position (GRCh38, 1-based): chr17:17,219,057, T>C on the plus strand (A>G on the coding strand, the complement: FLCN is on the minus strand). VCF-style: chr17-17219057-T-C. GRCh37 (hg19) VCF-style: chr17-17122371-T-C.
Other names: c.1078A>G, p.Lys360Glu (NM_001353229.2); c.1024A>G, p.Lys342Glu (NM_001353230.2, NM_001353231.2); short protein forms K342E, K360E.
Identifiers: ClinVar variation 848374 (VCV000848374.6), dbSNP rs2047008002, ClinGen allele CA398532719.
Genomic context (GRCh38, chr17:17,219,057, plus strand): 5'-GCGCTGTGCCCCTGCCGCCTACCTGCCTCATGTGCCGGAGGGACTTGAAGACTGGCAGCT[T>C]CCGGGGCTGCCAGCTCCCACAGCCTGAGAGAGAGGAGGACTCTGCCGGGCCCTGGGTCAG-3'
Protein context (NP_659434.2, residues 332-352): LSGCGSWQPR[Lys342Glu]LPVFKSLRHM